The following is an entry in ClinVar:

ClinVar aggregate classification (germline): Uncertain significance (1 of 4 stars; one submission).

gnomAD v4.1: 10 of 1,613,700 alleles (0.00062%); highest among the groups gnomAD compares: Admixed American, 0.0017%; no homozygotes.

Submission:

Labcorp Genetics (formerly Invitae), Labcorp
Classification: Uncertain significance. Last evaluated: 2026-01-05. Review status: criteria provided, single submitter. Criteria: Invitae Variant Classification Sherloc (09022015). Collection method: clinical testing. Allele origin: germline.
Comment: This sequence change affects codon 438 of the KIAA0753 mRNA. It is a 'silent' change, meaning that it does not change the encoded amino acid sequence of the KIAA0753 protein. It affects a nucleotide within the consensus splice site. This variant is present in population databases (rs767982404, gnomAD 0.004%). This variant has not been reported in the literature in individuals affected with KIAA0753-related conditions. Algorithms developed to predict the effect of sequence changes on RNA splicing suggest that this variant is not likely to affect RNA splicing. In summary, the available evidence is currently insufficient to determine the role of this variant in disease. Therefore, it has been classified as a Variant of Uncertain Significance.

NM_014804.3(KIAA0753):c.1314C>T (p.Ala438=)

Gene: KIAA0753 (KIAA0753; minus strand). Cytogenetic location: 17p13.1.
Variant type: single nucleotide variant.
Coding change: c.1314C>T on transcript NM_014804.3 (MANE Select); coding-DNA position 1314, C replaced by T.
Protein change: p.Ala438=; no amino-acid change (alanine 438 retained).
Molecular consequence: synonymous variant. On other transcripts: non-coding transcript variant (3).
Genome position (GRCh38, 1-based): chr17:6,620,789, G>A on the plus strand (C>T on the coding strand, the complement: KIAA0753 is on the minus strand). VCF-style: chr17-6620789-G-A. GRCh37 (hg19) VCF-style: chr17-6524109-G-A.
Other names: c.417C>T, p.Ala139= (NM_001351225.2).
Identifiers: ClinVar variation 4696749 (VCV004696749.1).